The following is an entry in ClinVar:

NM_014402.5(UQCRQ):c.181A>C (p.Thr61Pro)

Gene: UQCRQ (ubiquinol-cytochrome c reductase complex III subunit VII; plus strand). Cytogenetic location: 5q31.1.
Variant type: single nucleotide variant.
Coding change: c.181A>C on transcript NM_014402.5 (MANE Select); coding-DNA position 181, A replaced by C.
Protein change: p.Thr61Pro; replaces threonine 61 with proline.
Molecular consequence: missense variant.
Genome position (GRCh38, 1-based): chr5:132,867,514, A>C. VCF-style: chr5-132867514-A-C. GRCh37 (hg19) VCF-style: chr5-132203206-A-C.
Other names: short protein forms T61P.
Identifiers: ClinVar variation 215351 (VCV000215351.6), dbSNP rs369666769, ClinGen allele CA322933.

ClinVar aggregate classification (germline): Uncertain significance. Review status: criteria provided, multiple submitters, no conflicts (2 of 4 stars). 2 submissions from 2 submitters: Uncertain significance (2). Last evaluated 2022-09-13.

Allele frequency attached by ClinVar (database versions not stated): ESP Exome Variant Server 0.00008; gnomAD 0.00001; ExAC 0.00002; gnomAD exomes 0.00002 and 0.00005; TOPMed 0.00003.
gnomAD v4.1: 75 of 1,614,014 alleles (0.0046%); highest among the groups gnomAD compares: Non-Finnish European, 0.0061%; no homozygotes.

Submissions (2):

Labcorp Genetics (formerly Invitae), Labcorp
Classification: Uncertain significance. Last evaluated: 2022-09-13. Review status: criteria provided, single submitter. Criteria: Invitae Variant Classification Sherloc (09022015). Collection method: clinical testing. Allele origin: germline.
Comment: In summary, the available evidence is currently insufficient to determine the role of this variant in disease. Therefore, it has been classified as a Variant of Uncertain Significance. Algorithms developed to predict the effect of missense changes on protein structure and function are either unavailable or do not agree on the potential impact of this missense change (SIFT: "Tolerated"; PolyPhen-2: "Possibly Damaging"; Align-GVGD: "Class C0"). ClinVar contains an entry for this variant (Variation ID: 215351). This variant has not been reported in the literature in individuals affected with UQCRQ-related conditions. This variant is present in population databases (rs369666769, gnomAD 0.008%). This sequence change replaces threonine, which is neutral and polar, with proline, which is neutral and non-polar, at codon 61 of the UQCRQ protein (p.Thr61Pro).

GeneDx
Classification: Uncertain significance. Last evaluated: 2012-06-06. Review status: criteria provided, single submitter. Criteria: GeneDx Variant Classification (06012015). Collection method: clinical testing. Allele origin: germline. Affected: yes.
Comment: p.Thr61Pro (ACA>CCA): c.181 A>C in exon 3 of the UQCRQ gene (NM_014402.4) The T61P missense change has not been published as a mutation, nor has it been reported as a benign polymorphism to our knowledge. The amino acid substitution is non-conservative in that a polar Threonine residue is replaced by a non-polar Proline residue and the introduction of a Proline with its unique ring structure could affect the secondary structure of the UQCRQ protein. This change occurs at a position in the UQCRQ protein that is not well conserved. In silico analyses are not consistent in their predictions as to whether or not T61P is damaging to the UQCRQ protein. Therefore, based on the currently available information it is unclear whether T61P is a disease-causing mutation or a rare benign variant. The variant is found in MITONUC-MITOP panel(s).